The following is an entry in ClinVar:

ClinVar aggregate classification (germline): Uncertain significance (1 of 4 stars; one submission).

Submission:

Labcorp Genetics (formerly Invitae), Labcorp
Classification: Uncertain significance. Last evaluated: 2022-06-04. Review status: criteria provided, single submitter. Criteria: Invitae Variant Classification Sherloc (09022015). Collection method: clinical testing. Allele origin: germline.
Comment: This sequence change replaces alanine, which is neutral and non-polar, with threonine, which is neutral and polar, at codon 213 of the ADIPOR1 protein (p.Ala213Thr). This variant is not present in population databases (gnomAD no frequency). This variant has not been reported in the literature in individuals affected with ADIPOR1-related conditions. Algorithms developed to predict the effect of missense changes on protein structure and function (SIFT, PolyPhen-2, Align-GVGD) all suggest that this variant is likely to be tolerated. In summary, the available evidence is currently insufficient to determine the role of this variant in disease. Therefore, it has been classified as a Variant of Uncertain Significance.

NM_015999.6(ADIPOR1):c.637G>A (p.Ala213Thr)

Gene: ADIPOR1 (adiponectin receptor 1; minus strand). Cytogenetic location: 1q32.1.
Variant type: single nucleotide variant.
Coding change: c.637G>A on transcript NM_015999.6 (MANE Select); coding-DNA position 637, G replaced by A.
Protein change: p.Ala213Thr; replaces alanine 213 with threonine.
Molecular consequence: missense variant.
Genome position (GRCh38, 1-based): chr1:202,943,926, C>T on the plus strand (G>A on the coding strand, the complement: ADIPOR1 is on the minus strand). VCF-style: chr1-202943926-C-T. GRCh37 (hg19) VCF-style: chr1-202913054-C-T.
Other names: c.637G>A, p.Ala213Thr (NM_001127687.1, NM_001290553.2, NM_001290557.1 and 1 more transcripts); short protein forms A213T.
Identifiers: ClinVar variation 2077335 (VCV002077335.4), dbSNP rs2527458619, ClinGen allele CA344279509.